The following is an entry in ClinVar:

NM_001085049.3(MRAS):c.196C>G (p.Leu66Val)

Gene: MRAS (muscle RAS oncogene homolog; plus strand). Cytogenetic location: 3q22.3.
Variant type: single nucleotide variant.
Coding change: c.196C>G on transcript NM_001085049.3 (MANE Select); coding-DNA position 196, C replaced by G.
Protein change: p.Leu66Val; replaces leucine 66 with valine.
Molecular consequence: missense variant. On other transcripts: 5 prime UTR variant (3).
Genome position (GRCh38, 1-based): chr3:138,397,326, C>G. VCF-style: chr3-138397326-C-G. GRCh37 (hg19) VCF-style: chr3-138116168-C-G.
Other names: c.196C>G, p.Leu66Val (NM_001252090.2, NM_012219.4); c.-33C>G (NM_001252091.1, NM_001252092.2, NM_001252093.2); short protein forms L66V.
Identifiers: ClinVar variation 2662976 (VCV002662976.2), dbSNP rs761952196, ClinGen allele CA354672317.
Genomic context (GRCh38, chr3:138,397,326, plus strand): 5'-GCTGTGGGGGCTACAGGGTAGGTGAGGACAGCCCCTGAGTGGCCTCATCCCACCCCAGTT[C>G]TGGACACAGCTGGGCAGGAGGAATTCAGCGCCATGCGGGAGCAATACATGCGCACGGGGG-3'
Protein context (NP_001078518.1, residues 56-76): IDNQWAILDV[Leu66Val]DTAGQEEFSA

ClinVar aggregate classification (germline): Uncertain significance. Review status: criteria provided, multiple submitters, no conflicts (2 of 4 stars). 2 submissions from 2 submitters: Uncertain significance (2). Last evaluated 2024-06-28.

Conditions:
Noonan syndrome 11. Identifiers: MedGen C5193130, MONDO:0032786, OMIM 618499.

Submissions (2):

3billion
Classification: Uncertain significance for Noonan syndrome 11. Last evaluated: 2024-06-28. Review status: criteria provided, single submitter. Criteria: ACMG Guidelines, 2015. Collection method: clinical testing. Allele origin: germline. Affected: yes.
Comment: The variant is not observed in the gnomAD v4.0.0 dataset. Predicted Consequence/Location: Missense changes are a common disease-causing mechanism. In silico tool predictions suggest damaging effect of the variant on gene or gene product [REVEL: 0.82 (>=0.6, sensitivity 0.68 and specificity 0.92); 3Cnet: 0.81 (>=0.6, sensitivity 0.72 and precision 0.9)]. The variant has been reported as of uncertain significance (ClinVar ID: VCV002662976). Therefore, this variant is classified as VUS according to the recommendation of ACMG/AMP guideline.

GeneDx
Classification: Uncertain significance. Last evaluated: 2023-10-11. Review status: criteria provided, single submitter. Criteria: GeneDx Variant Classification Process June 2021. Collection method: clinical testing. Allele origin: germline. Affected: yes.
Comment: Not observed at significant frequency in large population cohorts (gnomAD); In silico analysis supports that this missense variant has a deleterious effect on protein structure/function; Has not been previously published as pathogenic or benign to our knowledge.